The following is an entry in ClinVar:

ClinVar aggregate classification (germline): Benign. Review status: criteria provided, multiple submitters, no conflicts (2 of 4 stars). 3 submissions from 3 submitters: Benign (3). Last evaluated 2026-09-01.

Conditions:
Congenital fibrosis of extraocular muscles type 1. Also called: FEOM1 LOCUS; BLEPHAROPTOSIS WITH ABSENT EYE MOVEMENTS; OPHTHALMOPLEGIA, CONGENITAL; CFEOM3B. Identifiers: MedGen C1851102, MONDO:0021083, OMIM 135700.

Allele frequency attached by ClinVar (database versions not stated): 1000 Genomes Project 0.00040; 1000 Genomes Project 30x 0.00047; TOPMed 0.00179; ExAC 0.00193; gnomAD exomes 0.00217 and 0.00256; gnomAD 0.00221 and 0.00239; ESP Exome Variant Server 0.00238.
gnomAD v4.1: 4,003 of 1,605,450 alleles (0.25%); highest among the groups gnomAD compares: Non-Finnish European, 0.28%; 9 homozygotes.

Submissions (9):

CeGaT Center for Human Genetics Tuebingen
Classification: Benign. Last evaluated: 2026-09-01. Review status: criteria provided, single submitter. Criteria: CeGaT Center For Human Genetics Tuebingen Variant Classification Criteria Version 2. Collection method: clinical testing. Allele origin: germline. Affected: yes. Observed: 3 variant alleles.
Comment: KIF21A: BS1, BS2

Labcorp Genetics (formerly Invitae), Labcorp
Classification: Benign. Last evaluated: 2019-12-31. Review status: criteria provided, single submitter. Criteria: Invitae Variant Classification Sherloc (09022015). Collection method: clinical testing. Allele origin: germline.

Illumina Laboratory Services, Illumina
Classification: Benign for Congenital fibrosis of extraocular muscles type 1. Last evaluated: 2018-01-12. Review status: criteria provided, single submitter. Criteria: ICSL Variant Classification Criteria 13 December 2019. Collection method: clinical testing. Allele origin: germline.
Comment: This variant was observed in the ICSL laboratory as part of a predisposition screen in an ostensibly healthy population. It had not been previously curated by ICSL or reported in the Human Gene Mutation Database (HGMD: prior to June 1st, 2018), and was therefore a candidate for classification through an automated scoring system. Utilizing variant allele frequency, disease prevalence and penetrance estimates, and inheritance mode, an automated score was calculated to assess if this variant is too frequent to cause the disease. Based on the score and internal cut-off values, a variant classified as benign is not then subjected to further curation. The score for this variant resulted in a classification of benign for this disease.

Dr. Peter K. Rogan Lab, Western University
No classification provided (evidence only). Condition: Melanoma. Review status: no classification provided. Collection method: in vitro. Allele origin: not applicable. Functional consequence: retained intron. Not counted in ClinVar's aggregate classification.

Dr. Peter K. Rogan Lab, Western University
No classification provided (evidence only). Condition: Familial cancer of breast. Review status: no classification provided. Collection method: in vitro. Allele origin: not applicable. Functional consequence: retained intron. Not counted in ClinVar's aggregate classification.

Dr. Peter K. Rogan Lab, Western University
No classification provided (evidence only). Condition: Gastric cancer. Review status: no classification provided. Collection method: in vitro. Allele origin: not applicable. Functional consequence: retained intron. Not counted in ClinVar's aggregate classification.

Dr. Peter K. Rogan Lab, Western University
No classification provided (evidence only). Condition: Malignant tumor of esophagus. Review status: no classification provided. Collection method: in vitro. Allele origin: not applicable. Functional consequence: retained intron. Not counted in ClinVar's aggregate classification.

Dr. Peter K. Rogan Lab, Western University
No classification provided (evidence only). Condition: Malignant tumor of esophagus. Review status: no classification provided. Collection method: in vitro. Allele origin: not applicable. Functional consequence: retained intron. Not counted in ClinVar's aggregate classification.

Dr. Peter K. Rogan Lab, Western University
No classification provided (evidence only). Condition: Malignant tumor of esophagus. Review status: no classification provided. Collection method: in vitro. Allele origin: not applicable. Functional consequence: retained intron. Not counted in ClinVar's aggregate classification.

NM_001173464.2(KIF21A):c.3149A>G (p.Asn1050Ser)

Gene: KIF21A (kinesin family member 21A; minus strand). Cytogenetic location: 12q12.
Variant type: single nucleotide variant.
Coding change: c.3149A>G on transcript NM_001173464.2 (MANE Select); coding-DNA position 3149, A replaced by G.
Protein change: p.Asn1050Ser; replaces asparagine 1050 with serine.
Molecular consequence: missense variant.
Genome position (GRCh38, 1-based): chr12:39,331,694, T>C on the plus strand (A>G on the coding strand, the complement: KIF21A is on the minus strand). VCF-style: chr12-39331694-T-C. GRCh37 (hg19) VCF-style: chr12-39725496-T-C.
Other names: NC_000012.11:g.39725496T>C; c.3110A>G, p.Asn1037Ser (NM_001173463.2, NM_017641.4); c.3041A>G, p.Asn1014Ser (NM_001173465.2); short protein forms N1037S, N1050S, N1014S.
Identifiers: ClinVar variation 308562 (VCV000308562.34), dbSNP rs142268373, ClinGen allele CA6510607.